The following is an entry in ClinVar:

ClinVar aggregate classification (germline): Pathogenic (1 of 4 stars; one submission).

Submission:

Labcorp Genetics (formerly Invitae), Labcorp
Classification: Pathogenic. Last evaluated: 2024-12-05. Review status: criteria provided, single submitter. Criteria: Invitae Variant Classification Sherloc (09022015). Collection method: clinical testing. Allele origin: germline.
Comment: This sequence change creates a premature translational stop signal (p.Tyr457*) in the CYP4V2 gene. While this is not anticipated to result in nonsense mediated decay, it is expected to disrupt the last 69 amino acid(s) of the CYP4V2 protein. This variant is not present in population databases (gnomAD no frequency). This variant has not been reported in the literature in individuals affected with CYP4V2-related conditions. This variant disrupts a region of the CYP4V2 protein in which other variant(s) (p.S482*) have been determined to be pathogenic (PMID: 15042513, 16186368). This suggests that this is a clinically significant region of the protein, and that variants that disrupt it are likely to be disease-causing. For these reasons, this variant has been classified as Pathogenic.

Literature cited by the submitters: PubMed 15042513; PubMed 16186368.

NM_207352.4(CYP4V2):c.1370dup (p.Tyr457Ter)

Gene: CYP4V2 (cytochrome P450 family 4 subfamily V member 2; plus strand). Cytogenetic location: 4q35.2.
Variant type: Duplication.
Coding change: c.1370dup on transcript NM_207352.4 (MANE Select); coding-DNA position 1370, one base duplicated (A; older notation c.1370dupA).
Protein change: p.Tyr457Ter; replaces tyrosine 457 with a stop codon.
Molecular consequence: nonsense.
Genome position (GRCh38, 1-based): chr4:186,209,237, A duplicated. VCF-style (leftmost placement, unchanged base first): chr4-186209236-T-TA. GRCh37 (hg19) VCF-style: chr4-187130390-T-TA.
Other names: short protein forms Y457*.
Identifiers: ClinVar variation 3726675 (VCV003726675.2).
Genomic context (GRCh38, chr4:186,209,236, plus strand): 5'-GAGGAGTTCCAGCCTGAGCGGTTCTTCCCCGAGAATGCACAAGGGCGCCATCCATATGCC[T>TA]ACGTGCCCTTCTCTGCTGGCCCCAGGAACTGTATAGGTTTGTATCCATCTGAATTGGTTT-3'